The following is an entry in ClinVar:

NM_001252024.2(TRPM1):c.1237A>G (p.Ile413Val)

Gene: TRPM1 (transient receptor potential cation channel subfamily M member 1; minus strand). Cytogenetic location: 15q13.3.
Variant type: single nucleotide variant.
Coding change: c.1237A>G on transcript NM_001252024.2 (MANE Select); coding-DNA position 1237, A replaced by G.
Protein change: p.Ile413Val; replaces isoleucine 413 with valine.
Molecular consequence: missense variant.
Genome position (GRCh38, 1-based): chr15:31,060,570, T>C on the plus strand (A>G on the coding strand, the complement: TRPM1 is on the minus strand). VCF-style: chr15-31060570-T-C. GRCh37 (hg19) VCF-style: chr15-31352773-T-C.
Other names: c.1288A>G, p.Ile430Val (NM_001252020.2); c.1171A>G, p.Ile391Val (NM_002420.6); c.1171A>G (NM_002420.4); short protein forms I391V, I413V, I430V.
Identifiers: ClinVar variation 1404077 (VCV001404077.5), dbSNP rs1010630453, ClinGen allele CA267493716.

ClinVar aggregate classification (germline): Uncertain significance. Review status: criteria provided, multiple submitters, no conflicts (2 of 4 stars). 3 submissions from 3 submitters: Uncertain significance (3). Last evaluated 2024-11-24.

Conditions:
Inborn genetic diseases. Identifiers: MedGen C0950123, MeSH D030342.

Allele frequency attached by ClinVar (database versions not stated): gnomAD exomes 0.00001; gnomAD 0.00005; TOPMed 0.00009.
gnomAD v4.1: 13 of 1,614,052 alleles (0.00081%); highest among the groups gnomAD compares: Admixed American, 0.015%; no homozygotes.

Submissions (3):

Ambry Genetics
Classification: Uncertain significance for Inborn genetic diseases. Last evaluated: 2024-11-24. Review status: criteria provided, single submitter. Criteria: Ambry Variant Classification Scheme 2023. Collection method: clinical testing. Allele origin: germline.

Labcorp Genetics (formerly Invitae), Labcorp
Classification: Uncertain significance. Last evaluated: 2022-07-12. Review status: criteria provided, single submitter. Criteria: Invitae Variant Classification Sherloc (09022015). Collection method: clinical testing. Allele origin: germline.
Comment: This sequence change replaces isoleucine, which is neutral and non-polar, with valine, which is neutral and non-polar, at codon 391 of the TRPM1 protein (p.Ile391Val). This variant is not present in population databases (gnomAD no frequency). This variant has not been reported in the literature in individuals affected with TRPM1-related conditions. ClinVar contains an entry for this variant (Variation ID: 1404077). Algorithms developed to predict the effect of missense changes on protein structure and function are either unavailable or do not agree on the potential impact of this missense change (SIFT: "Tolerated"; PolyPhen-2: "Possibly Damaging"; Align-GVGD: "Class C0"). Algorithms developed to predict the effect of sequence changes on RNA splicing suggest that this variant may create or strengthen a splice site. In summary, the available evidence is currently insufficient to determine the role of this variant in disease. Therefore, it has been classified as a Variant of Uncertain Significance.

GeneDx
Classification: Uncertain significance. Last evaluated: 2022-06-01. Review status: criteria provided, single submitter. Criteria: GeneDx Variant Classification Process June 2021. Collection method: clinical testing. Allele origin: germline. Affected: yes.
Comment: Not observed at significant frequency in large population cohorts (gnomAD); In silico analysis supports that this missense variant does not alter protein structure/function; In silico analysis, which includes splice predictors and evolutionary conservation, suggests this variant may impact gene splicing. In the absence of RNA/functional studies, the actual effect of this sequence change is unknown.; Has not been previously published as pathogenic or benign to our knowledge